The following is an entry in ClinVar:

NM_133497.4(KCNV2):c.912C>T (p.His304=)

Gene: KCNV2 (potassium voltage-gated channel modifier subfamily V member 2; plus strand). Cytogenetic location: 9p24.2.
Variant type: single nucleotide variant.
Coding change: c.912C>T on transcript NM_133497.4 (MANE Select); coding-DNA position 912, C replaced by T.
Protein change: p.His304=; no amino-acid change (histidine 304 retained).
Molecular consequence: synonymous variant.
Genome position (GRCh38, 1-based): chr9:2,718,651, C>T. VCF-style: chr9-2718651-C-T. GRCh37 (hg19) VCF-style: chr9-2718651-C-T.
Other names: c.912C>T (NM_133497.3).
Identifiers: ClinVar variation 2958522 (VCV002958522.4), dbSNP rs139505822, ClinGen allele CA4965677.

ClinVar aggregate classification (germline): Likely benign. Review status: criteria provided, multiple submitters, no conflicts (2 of 4 stars). 2 submissions from 2 submitters: Likely benign (2). Last evaluated 2025-05-28.

Conditions:
KCNV2-related disorder. Also called: KCNV2-related condition.

Allele frequency attached by ClinVar (database versions not stated): gnomAD 0.00002; ExAC 0.00003; TOPMed 0.00003; ESP Exome Variant Server 0.00008; 1000 Genomes Project 30x 0.00016; 1000 Genomes Project 0.00020.
gnomAD v4.1: 13 of 1,613,308 alleles (0.00081%); highest among the groups gnomAD compares: African/African-American, 0.004%; no homozygotes.

Submissions (2):

PreventionGenetics, part of Exact Sciences
Classification: Likely benign for KCNV2-related condition. Last evaluated: 2025-05-28. Review status: criteria provided, single submitter. Criteria: ACMG Guidelines, 2015. Collection method: clinical testing. Allele origin: germline.
Comment: This variant is classified as likely benign based on ACMG/AMP sequence variant interpretation guidelines (Richards et al. 2015 PMID: 25741868, with internal and published modifications).

Labcorp Genetics (formerly Invitae), Labcorp
Classification: Likely benign. Last evaluated: 2023-09-18. Review status: criteria provided, single submitter. Criteria: Invitae Variant Classification Sherloc (09022015). Collection method: clinical testing. Allele origin: germline.